The following is an entry in ClinVar:

ClinVar aggregate classification (germline): Uncertain significance (0 of 4 stars; one submission).

Conditions:
ABCC6-related disorder. Also called: ABCC6-related condition.

Submission:

PreventionGenetics, part of Exact Sciences
Classification: Uncertain significance for ABCC6-related condition. Last evaluated: 2024-03-15. Review status: no assertion criteria provided. Collection method: clinical testing. Allele origin: germline.
Comment: The ABCC6 c.2887T>C variant is predicted to result in the amino acid substitution p.Cys963Arg. To our knowledge, this variant has not been reported in the literature or in a large population database, indicating this variant is rare. At this time, the clinical significance of this variant is uncertain due to the absence of conclusive functional and genetic evidence.

NM_001171.6(ABCC6):c.2887T>C (p.Cys963Arg)

Gene: ABCC6 (ATP binding cassette subfamily C member 6; minus strand). Cytogenetic location: 16p13.11.
Variant type: single nucleotide variant.
Coding change: c.2887T>C on transcript NM_001171.6 (MANE Select); coding-DNA position 2887, T replaced by C.
Protein change: p.Cys963Arg; replaces cysteine 963 with arginine.
Molecular consequence: missense variant. On other transcripts: non-coding transcript variant (1).
Genome position (GRCh38, 1-based): chr16:16,169,754, A>G on the plus strand (T>C on the coding strand, the complement: ABCC6 is on the minus strand). VCF-style: chr16-16169754-A-G. GRCh37 (hg19) VCF-style: chr16-16263611-A-G.
Other names: c.2545T>C, p.Cys849Arg (NM_001351800.1); short protein forms C849R, C963R.
Identifiers: ClinVar variation 3356408 (VCV003356408.1).
Genomic context (GRCh38, chr16:16,169,754, plus strand): 5'-GCGTCTGCTGCCCACCTACTGCAGGGTCGTCCGCCCACAGGCTCAGCCAGTAGCCCCGGC[A>G]GAAGGAGGCCACTTGCTGGCAGAGGAAGAGGAAGAGTGCGTAGAGGCAGAGGGGGGTGCC-3'
Protein context (NP_001162.5, residues 953-973): LFLCQQVASF[Cys963Arg]RGYWLSLWAD